The following is an entry in ClinVar:

ClinVar aggregate classification (germline): Benign (1 of 4 stars; one submission).

Allele frequency attached by ClinVar (database versions not stated): ExAC 0.00053.

Submission:

Biesecker Lab/Clinical Genomics Section, National Institutes of Health
Classification: Benign. Last evaluated: 2013-06-24. Review status: criteria provided, single submitter. Criteria: Ng et al. (Circ Cardiovasc Genet. 2013). Collection method: research. Allele origin: unknown. Observed: 5 variant alleles. Study: ClinSeq.
Comment: The study set was not selected for affection status in relation to any cancer. Pathogenicity categories were based on literature curation. See Pubmed ID:23861362 for details.

Medical sequencing

NM_000238.4(KCNH2):c.1598T>G (p.Val533Gly)

Gene: KCNH2 (potassium voltage-gated channel subfamily H member 2; minus strand). Cytogenetic location: 7q36.1.
Variant type: single nucleotide variant.
Coding change: c.1598T>G on transcript NM_000238.4 (MANE Select); coding-DNA position 1598, T replaced by G.
Protein change: p.Val533Gly; replaces valine 533 with glycine.
Molecular consequence: missense variant.
Genome position (GRCh38, 1-based): chr7:150,951,795, A>C on the plus strand (T>G on the coding strand, the complement: KCNH2 is on the minus strand). VCF-style: chr7-150951795-A-C. GRCh37 (hg19) VCF-style: chr7-150648883-A-C.
Other names: c.578T>G, p.Val193Gly (NM_001204798.2, NM_172057.3); c.1310T>G, p.Val437Gly (NM_001406753.1, NM_001406756.1); c.1421T>G, p.Val474Gly (NM_001406755.1); c.1298T>G, p.Val433Gly (NM_001406757.1); c.1598T>G, p.Val533Gly (NM_172056.3); short protein forms V193G, V533G, V437G, V474G, V433G.
Identifiers: ClinVar variation 191574 (VCV000191574.3), dbSNP rs202102276, ClinGen allele CA004887.
Genomic context (GRCh38, chr7:150,951,795, plus strand): 5'-AGCAAGAACAGCACGGCCGCGCCGTACTCTGAGTAGCGATCCAGCTTCCGCGCCACGCGC[A>C]CCAGCCGCAGCAGCCGCGCAGTCTTCAGCAGCCCGATCAGCTGGGGGACAGGGAAGGGGC-3'
Protein context (NP_000229.1, residues 523-543): LLKTARLLRL[Val533Gly]RVARKLDRYS